The following is an entry in ClinVar:

ClinVar aggregate classification (germline): Conflicting classifications of pathogenicity. Review status: criteria provided, conflicting classifications (1 of 4 stars). 4 submissions from 4 submitters: Uncertain significance (3); Benign (1). Last evaluated 2026-09-01.

Conditions:
Congenital heart defects, dysmorphic facial features, and intellectual developmental disorder (CHDFIDD). Identifiers: Orphanet 646278, MedGen C4479246, MONDO:0044302, OMIM 617360.
Inborn genetic diseases. Identifiers: MedGen C0950123, MeSH D030342.

Allele frequency attached by ClinVar (database versions not stated): gnomAD exomes 0.00001; gnomAD 0.00002; TOPMed 0.00003; ExAC 0.00014.

Submissions (4):

CeGaT Center for Human Genetics Tuebingen
Classification: Uncertain significance. Last evaluated: 2026-09-01. Review status: criteria provided, single submitter. Criteria: CeGaT Center For Human Genetics Tuebingen Variant Classification Criteria Version 2. Collection method: clinical testing. Allele origin: germline. Affected: yes. Observed: 1 variant allele.
Comment: CDK13: PP2

Labcorp Genetics (formerly Invitae), Labcorp
Classification: Benign. Last evaluated: 2025-10-14. Review status: criteria provided, single submitter. Criteria: Invitae Variant Classification Sherloc (09022015). Collection method: clinical testing. Allele origin: germline.

Revvity Omics, Revvity
Classification: Uncertain significance for Congenital heart defects, dysmorphic facial features, and intellectual developmental disorder. Last evaluated: 2024-12-24. Review status: criteria provided, single submitter. Criteria: ACMG Guidelines, 2015. Collection method: clinical testing. Allele origin: germline.

Ambry Genetics
Classification: Uncertain significance for Inborn genetic diseases. Last evaluated: 2024-10-23. Review status: criteria provided, single submitter. Criteria: Ambry Variant Classification Scheme 2023. Collection method: clinical testing. Allele origin: germline.

NM_003718.5(CDK13):c.100C>T (p.Pro34Ser)

Gene: CDK13 (cyclin dependent kinase 13; plus strand). Cytogenetic location: 7p14.1.
Variant type: single nucleotide variant.
Coding change: c.100C>T on transcript NM_003718.5 (MANE Select); coding-DNA position 100, C replaced by T.
Protein change: p.Pro34Ser; replaces proline 34 with serine.
Molecular consequence: missense variant.
Genome position (GRCh38, 1-based): chr7:39,950,741, C>T. VCF-style: chr7-39950741-C-T. GRCh37 (hg19) VCF-style: chr7-39990340-C-T.
Other names: c.100C>T, p.Pro34Ser (NM_031267.4); short protein forms P34S.
Identifiers: ClinVar variation 2054531 (VCV002054531.7), dbSNP rs773857479, ClinGen allele CA4228303.